The following is an entry in ClinVar:

NM_018489.3(ASH1L):c.1283C>T (p.Ala428Val)

Gene: ASH1L (ASH1 like histone lysine methyltransferase; minus strand). Cytogenetic location: 1q22.
Variant type: single nucleotide variant.
Coding change: c.1283C>T on transcript NM_018489.3 (MANE Select); coding-DNA position 1283, C replaced by T.
Protein change: p.Ala428Val; replaces alanine 428 with valine.
Molecular consequence: missense variant.
Genome position (GRCh38, 1-based): chr1:155,481,587, G>A on the plus strand (C>T on the coding strand, the complement: ASH1L is on the minus strand). VCF-style: chr1-155481587-G-A. GRCh37 (hg19) VCF-style: chr1-155451378-G-A.
Other names: c.1283C>T, p.Ala428Val (NM_001366177.2); short protein forms A428V.
Identifiers: ClinVar variation 2639424 (VCV002639424.24), dbSNP rs1409082408, ClinGen allele CA342736193.

ClinVar aggregate classification (germline): Uncertain significance (1 of 4 stars; one submission).

gnomAD v4.1: 6 of 1,614,150 alleles (0.00037%); highest among the groups gnomAD compares: Non-Finnish European, 0.00042%; no homozygotes.

Submission:

CeGaT Center for Human Genetics Tuebingen
Classification: Uncertain significance. Last evaluated: 2022-09-01. Review status: criteria provided, single submitter. Criteria: CeGaT Center For Human Genetics Tuebingen Variant Classification Criteria Version 2. Collection method: clinical testing. Allele origin: germline. Affected: yes. Observed: 1 variant allele.
Comment: ASH1L: PP2, BP4